The following is an entry in ClinVar:

NM_004408.4(DNM1):c.1781+5C>T

Gene: DNM1 (dynamin 1; plus strand). Cytogenetic location: 9q34.11.
Variant type: single nucleotide variant.
Coding change: c.1781+5C>T on transcript NM_004408.4 (MANE Select); 5 bases into the intron after coding-DNA position 1781, C replaced by T.
Molecular consequence: intron variant.
Genome position (GRCh38, 1-based): chr9:128,246,508, C>T. VCF-style: chr9-128246508-C-T. GRCh37 (hg19) VCF-style: chr9-131008787-C-T.
Other names: c.1781+5C>T (NM_001005336.3, NM_001374269.1, NM_001288738.2 and 2 more transcripts).
Identifiers: ClinVar variation 1000415 (VCV001000415.12), dbSNP rs1836821115, ClinGen allele CA1880210121.
Genomic context (GRCh38, chr9:128,246,508, plus strand): 5'-GAGAAGGGCTTTATGTCGAGCAAGCATATCTTTGCCCTCTTTAACACGGAGCAGAGGTGC[C>T]TGCCTGCCCCTGGCTGTGGCTGCTGCAGCCCCAAAACCACCCTCACTGAGTAGAAGCTGG-3'

ClinVar aggregate classification (germline): Uncertain significance (1 of 4 stars; one submission).

Conditions:
Developmental and epileptic encephalopathy, 31A. Also called: Epileptic encephalopathy, early infantile, 31; Developmental and epileptic encephalopathy, 31. Identifiers: Orphanet 2382, MedGen C4225357, MONDO:0014598, OMIM 616346.

Submission:

Labcorp Genetics (formerly Invitae), Labcorp
Classification: Uncertain significance for Developmental and epileptic encephalopathy, 31A. Last evaluated: 2020-02-26. Review status: criteria provided, single submitter. Criteria: Invitae Variant Classification Sherloc (09022015). Collection method: clinical testing. Allele origin: germline.
Comment: This sequence change falls in intron 16 of the DNM1 gene. It does not directly change the encoded amino acid sequence of the DNM1 protein, but it affects a nucleotide within the consensus splice site of the intron. This variant is not present in population databases (ExAC no frequency). This variant has not been reported in the literature in individuals with DNM1-related conditions. Nucleotide substitutions within the consensus splice site are a relatively common cause of aberrant splicing (PMID: 17576681, 9536098). Algorithms developed to predict the effect of sequence changes on RNA splicing suggest that this variant is not likely to affect RNA splicing, but this prediction has not been confirmed by published transcriptional studies. In summary, the available evidence is currently insufficient to determine the role of this variant in disease. Therefore, it has been classified as a Variant of Uncertain Significance.

Literature cited by the submitters: PubMed 17576681; PubMed 9536098.